The following is an entry in ClinVar:

ClinVar aggregate classification (germline): Conflicting classifications of pathogenicity. Review status: criteria provided, conflicting classifications (1 of 4 stars). 5 submissions from 5 submitters: Uncertain significance (4); Likely benign (1). Last evaluated 2025-08-05.

Conditions:
Cerebroretinal microangiopathy with calcifications and cysts 1 (CRMCC1). Identifiers: Orphanet 313838, MedGen C4552029, MONDO:0024564, OMIM 612199.
Inborn genetic diseases. Identifiers: MedGen C0950123, MeSH D030342.
Dyskeratosis congenita. Identifiers: Orphanet 1775, MedGen C0265965, MONDO:0015780.

gnomAD v4.1: 28 of 1,598,154 alleles (0.0018%); highest among the groups gnomAD compares: Middle Eastern, 0.05%; no homozygotes.

Submissions (5):

Ambry Genetics
Classification: Likely benign for Inborn genetic diseases. Last evaluated: 2025-08-05. Review status: criteria provided, single submitter. Criteria: Ambry Variant Classification Scheme 2023. Collection method: clinical testing. Allele origin: germline.

Labcorp Genetics (formerly Invitae), Labcorp
Classification: Uncertain significance for Dyskeratosis congenita. Last evaluated: 2024-04-16. Review status: criteria provided, single submitter. Criteria: Invitae Variant Classification Sherloc (09022015). Collection method: clinical testing. Allele origin: germline.
Comment: This sequence change replaces arginine, which is basic and polar, with glycine, which is neutral and non-polar, at codon 5 of the CTC1 protein (p.Arg5Gly). This variant is present in population databases (rs201280372, gnomAD 0.003%). This variant has not been reported in the literature in individuals affected with CTC1-related conditions. ClinVar contains an entry for this variant (Variation ID: 326091). Algorithms developed to predict the effect of missense changes on protein structure and function output the following: SIFT: "Not Available"; PolyPhen-2: "Benign"; Align-GVGD: "Not Available". The glycine amino acid residue is found in multiple mammalian species, which suggests that this missense change does not adversely affect protein function. In summary, the available evidence is currently insufficient to determine the role of this variant in disease. Therefore, it has been classified as a Variant of Uncertain Significance.

GeneDx
Classification: Uncertain significance. Last evaluated: 2024-01-10. Review status: criteria provided, single submitter. Criteria: GeneDx Variant Classification Process June 2021. Collection method: clinical testing. Allele origin: germline. Affected: yes.
Comment: Not observed at significant frequency in large population cohorts (gnomAD); In silico analysis supports that this missense variant does not alter protein structure/function; Has not been previously published as pathogenic or benign to our knowledge

Genome-Nilou Lab
Classification: Uncertain significance for Cerebroretinal microangiopathy with calcifications and cysts 1. Last evaluated: 2021-07-15. Review status: criteria provided, single submitter. Criteria: ACMG Guidelines, 2015. Collection method: clinical testing. Allele origin: germline. Affected: no.

Illumina Laboratory Services, Illumina
Classification: Uncertain significance for Dyskeratosis congenita. Last evaluated: 2018-01-13. Review status: criteria provided, single submitter. Criteria: ICSL Variant Classification Criteria 13 December 2019. Collection method: clinical testing. Allele origin: germline.

NM_025099.6(CTC1):c.13C>G (p.Arg5Gly)

Genes: CTC1 (CST telomere replication complex component 1; minus strand), PFAS (phosphoribosylformylglycinamidine synthase; plus strand). Cytogenetic location: 17p13.1.
Variant type: single nucleotide variant.
Coding change: c.13C>G on transcript NM_025099.6 (MANE Select); coding-DNA position 13, C replaced by G.
Protein change: p.Arg5Gly; replaces arginine 5 with glycine.
Molecular consequence: missense variant. On other transcripts: non-coding transcript variant (1).
Genome position (GRCh38, 1-based): chr17:8,248,024, G>C on the plus strand (C>G on the coding strand, the complement: CTC1 is on the minus strand). VCF-style: chr17-8248024-G-C. GRCh37 (hg19) VCF-style: chr17-8151342-G-C.
Other names: short protein forms R5G.
Identifiers: ClinVar variation 326091 (VCV000326091.18), dbSNP rs201280372, ClinGen allele CA8372766.
Genomic context (GRCh38, chr17:8,248,024, plus strand): 5'-ACAAGAAAAAAGGAACAAGAGACGTAATAGCAGCACTCACGGAGGAAGGGACCTGGGCCC[G>C]GCCAGCCGCCATGATGCGCCGGAGCTCCGCCCCCGGGAGGGGCAGGTGCTCGCTTGGGGG-3'
Protein context (NP_079375.3, residues 1-15): MAAG[Arg5Gly]AQVPSSEQAW